The following is an entry in ClinVar:

NM_001082538.3(TCTN1):c.666T>G (p.Phe222Leu)

Gene: TCTN1 (tectonic family member 1; plus strand). Cytogenetic location: 12q24.11.
Variant type: single nucleotide variant.
Coding change: c.666T>G on transcript NM_001082538.3 (MANE Select); coding-DNA position 666, T replaced by G.
Protein change: p.Phe222Leu; replaces phenylalanine 222 with leucine.
Molecular consequence: missense variant. On other transcripts: non-coding transcript variant (1).
Genome position (GRCh38, 1-based): chr12:110,632,513, T>G. VCF-style: chr12-110632513-T-G. GRCh37 (hg19) VCF-style: chr12-111070318-T-G.
Other names: c.666T>G, p.Phe222Leu (NM_001082537.3, NM_001319680.2, NM_024549.6); c.498T>G, p.Phe166Leu (NM_001173975.3); c.486T>G, p.Phe162Leu (NM_001173976.2); c.132T>G, p.Phe44Leu (NM_001319681.2); short protein forms F162L, F166L, F222L, F44L.
Identifiers: ClinVar variation 1436898 (VCV001436898.6), dbSNP rs2066301569, ClinGen allele CA386703212.

ClinVar aggregate classification (germline): Uncertain significance (1 of 4 stars; one submission).

Conditions:
Joubert syndrome. Also called: CEREBELLOPARENCHYMAL DISORDER IV; JOUBERT-BOLTSHAUSER SYNDROME; Familial aplasia of the vermis. Identifiers: Orphanet 475, MedGen C5979921, MONDO:0018772.
Meckel-Gruber syndrome. Also called: DYSENCEPHALIA SPLANCHNOCYSTICA; GRUBER SYNDROME; Dysencephalia splachnocystica. Identifiers: Orphanet 564, MedGen C0265215, MONDO:0018921.

Allele frequency attached by ClinVar (database versions not stated): gnomAD 0.00001; TOPMed 0.00002.
gnomAD v4.1: 3 of 1,613,982 alleles (0.00019%); highest among the groups gnomAD compares: Admixed American, 0.0017%; no homozygotes.

Submission:

Labcorp Genetics (formerly Invitae), Labcorp
Classification: Uncertain significance for Joubert syndrome; Meckel-Gruber syndrome. Last evaluated: 2022-07-12. Review status: criteria provided, single submitter. Criteria: Invitae Variant Classification Sherloc (09022015). Collection method: clinical testing. Allele origin: germline.
Comment: This sequence change replaces phenylalanine, which is neutral and non-polar, with leucine, which is neutral and non-polar, at codon 222 of the TCTN1 protein (p.Phe222Leu). In summary, the available evidence is currently insufficient to determine the role of this variant in disease. Therefore, it has been classified as a Variant of Uncertain Significance. Algorithms developed to predict the effect of missense changes on protein structure and function output the following: SIFT: "Tolerated"; PolyPhen-2: "Benign"; Align-GVGD: "Class C0". The leucine amino acid residue is found in multiple mammalian species, which suggests that this missense change does not adversely affect protein function. ClinVar contains an entry for this variant (Variation ID: 1436898). This variant has not been reported in the literature in individuals affected with TCTN1-related conditions. This variant is not present in population databases (gnomAD no frequency).